The following is an entry in ClinVar:

NM_002181.4(IHH):c.928C>T (p.Pro310Ser)

Gene: IHH (Indian hedgehog signaling molecule; minus strand). Cytogenetic location: 2q35.
Variant type: single nucleotide variant.
Coding change: c.928C>T on transcript NM_002181.4 (MANE Select); coding-DNA position 928, C replaced by T.
Protein change: p.Pro310Ser; replaces proline 310 with serine.
Molecular consequence: missense variant.
Genome position (GRCh38, 1-based): chr2:219,055,515, G>A on the plus strand (C>T on the coding strand, the complement: IHH is on the minus strand). VCF-style: chr2-219055515-G-A. GRCh37 (hg19) VCF-style: chr2-219920237-G-A.
Other names: short protein forms P310S.
Identifiers: ClinVar variation 4527669 (VCV004527669.1).

ClinVar aggregate classification (germline): Uncertain significance (1 of 4 stars; one submission).

gnomAD v4.1: 4 of 1,610,460 alleles (0.00025%); highest among the groups gnomAD compares: Admixed American, 0.0017%; no homozygotes.

Submission:

GeneDx
Classification: Uncertain significance. Last evaluated: 2025-04-30. Review status: criteria provided, single submitter. Criteria: GeneDx Variant Classification Process June 2021. Collection method: clinical testing. Allele origin: germline. Affected: yes.
Comment: In silico analysis indicates that this missense variant does not alter protein structure/function; Has not been previously published as pathogenic or benign to our knowledge